The following is an entry in ClinVar:

NM_133459.4(CCBE1):c.*4550AAT[1]

Gene: CCBE1 (collagen and calcium binding EGF domains 1; minus strand). Cytogenetic location: 18q21.32.
Variant type: Microsatellite.
Coding change: c.*4550AAT[1] on transcript NM_133459.4 (MANE Select); one copy of the 3-base unit AAT starting at c.*4550; the reference has two copies in a row; one copy, 3 bases deleted.
Molecular consequence: 3 prime UTR variant.
Genome position (GRCh38, 1-based): chr18:59,431,353-59,431,355, ATT deleted on the plus strand (AAT on the coding strand, the reverse complement: CCBE1 is on the minus strand); deleting any 3 consecutive bases within chr18:59,431,353-59,431,359 gives the same sequence; the position shown is the placement nearest the transcript's 3' end. VCF-style (leftmost placement, unchanged base first): chr18-59431352-CATT-C. GRCh37 (hg19) VCF-style: chr18-57098584-CATT-C.
Identifiers: ClinVar variation 327593 (VCV000327593.29), dbSNP rs553910582, ClinGen allele CA10641938.

ClinVar aggregate classification (germline): Likely benign (1 of 4 stars; one submission).

Submission:

CeGaT Center for Human Genetics Tuebingen
Classification: Likely benign. Last evaluated: 2023-01-01. Review status: criteria provided, single submitter. Criteria: CeGaT Center For Human Genetics Tuebingen Variant Classification Criteria Version 2. Collection method: clinical testing. Allele origin: germline. Affected: yes. Observed: 1 variant allele.
Comment: CCBE1: BS1